The following is an entry in ClinVar:

ClinVar aggregate classification (germline): Benign (1 of 4 stars; one submission).

Allele frequency attached by ClinVar (database versions not stated): gnomAD 0.06180 and 0.06663; 1000 Genomes Project 0.06390; TOPMed 0.06687; 1000 Genomes Project 30x 0.07167.
gnomAD v4.1: 8,920 of 145,786 alleles (6.1%); highest among the groups gnomAD compares: African/African-American, 21%; 888 homozygotes.

Submission:

GeneDx
Classification: Benign. Last evaluated: 2018-06-14. Review status: criteria provided, single submitter. Criteria: GeneDx Variant Classification (06012015). Collection method: clinical testing. Allele origin: germline. Affected: yes.
Comment: This variant is considered likely benign or benign based on one or more of the following criteria: it is a conservative change, it occurs at a poorly conserved position in the protein, it is predicted to be benign by multiple in silico algorithms, and/or has population frequency not consistent with disease.

NM_001035.3(RYR2):c.11146-204A>G

Gene: RYR2 (ryanodine receptor 2; plus strand). Cytogenetic location: 1q43.
Variant type: single nucleotide variant.
Coding change: c.11146-204A>G on transcript NM_001035.3 (MANE Select); 204 bases into the intron before coding-DNA position 11146, A replaced by G.
Molecular consequence: intron variant.
Genome position (GRCh38, 1-based): chr1:237,756,084, A>G. VCF-style: chr1-237756084-A-G. GRCh37 (hg19) VCF-style: chr1-237919384-A-G.
Identifiers: ClinVar variation 675414 (VCV000675414.1), dbSNP rs10495402, ClinGen allele CA39830090.
Genomic context (GRCh38, chr1:237,756,084, plus strand): 5'-AATGAATCAAATCATTAAAATTGAGAAAAAAAAATCCATGCTGATAAACCAGTACCAAAA[A>G]CATATCAAGAAAACTATAAAGGGGGAAAAAAAAACAATAGTTGAATATGTTAATAATATC-3'